The following is an entry in ClinVar:

NM_000169.3(GLA):c.112A>G (p.Arg38Gly)

Genes: GLA (galactosidase alpha; minus strand), RPL36A-HNRNPH2 (RPL36A-HNRNPH2 readthrough; plus strand). Cytogenetic location: Xq22.1.
Variant type: single nucleotide variant.
Coding change: c.112A>G on transcript NM_000169.3 (MANE Select); coding-DNA position 112, A replaced by G.
Protein change: p.Arg38Gly; replaces arginine 38 with glycine.
Molecular consequence: missense variant. On other transcripts: non-coding transcript variant (3), intron variant (2).
Genome position (GRCh38, 1-based): chrX:101,407,792, T>C on the plus strand (A>G on the coding strand, the complement: GLA is on the minus strand). VCF-style: chrX-101407792-T-C. GRCh37 (hg19) VCF-style: chrX-100662780-T-C.
Other names: p.R38G:AGG>GGG; c.112A>G, p.Arg38Gly (NM_001406747.1, NM_001406748.1, NM_001406749.1); c.301-4144T>C (NM_001199973.2); c.178-4144T>C (NM_001199974.2); short protein forms R38G.
Identifiers: ClinVar variation 180837 (VCV000180837.14), dbSNP rs730880446, ClinGen allele CA021410.

ClinVar aggregate classification (germline): Uncertain significance. Review status: criteria provided, multiple submitters, no conflicts (2 of 4 stars). 5 submissions from 5 submitters: Uncertain significance (5). Last evaluated 2026-09-08.

Conditions:
Fabry disease. Also called: ALPHA-GALACTOSIDASE A DEFICIENCY; ANDERSON-FABRY DISEASE; Fabry's disease; Ceramide trihexosidosis; Angiokeratoma corporis diffusum; CERAMIDE TRIHEXOSIDASE DEFICIENCY. Identifiers: Orphanet 324, MedGen C0002986, MONDO:0010526, OMIM 301500, HP:0001071. Disease mechanism: loss of function, Fabry disease is due to inactivating mutations in the X-linked GLA gene resulting in deficiency of the enzyme Alpha Galactosidase-A..

Submissions (5):

Genomenon, Inc
Classification: Uncertain significance for Fabry disease. Last evaluated: 2026-09-08. Review status: criteria provided, single submitter. Criteria: Genomenon Sequence Variant Interpretation Standards - Updated. Collection method: curation. Allele origin: germline. Affected: no.
Comment: GLA p.Arg38Gly (c.112A>G) is a missense variant that changes the amino acid at codon 38 from Arginine to Glycine. This variant has been reported in the published literature (PMID:34441839;34905550;38047356). It is absent or not present at a significant frequency in gnomAD. In conclusion, we classify GLA p.Arg38Gly (c.112A>G) as a variant of uncertain significance.

All of Us Research Program, National Institutes of Health
Classification: Uncertain significance for Fabry disease. Last evaluated: 2024-09-17. Review status: criteria provided, single submitter. Criteria: ACMG Guidelines, 2015. Collection method: clinical testing. Allele origin: germline. Inheritance: X-linked inheritance. Observed: 1 variant allele, 1 homozygote.
Comment: This study involves interpretation of variants in research participants for the purpose of population health screening. Participant phenotype was not available at the time of variant classification. Additional details can be found in publication PMID: 35346344, PMCID: PMC8962531

Labcorp Genetics (formerly Invitae), Labcorp
Classification: Uncertain significance for Fabry disease. Last evaluated: 2024-06-04. Review status: criteria provided, single submitter. Criteria: Invitae Variant Classification Sherloc (09022015). Collection method: clinical testing. Allele origin: germline.
Comment: This sequence change replaces arginine, which is basic and polar, with glycine, which is neutral and non-polar, at codon 38 of the GLA protein (p.Arg38Gly). This variant is not present in population databases (gnomAD no frequency). This missense change has been observed in individual(s) with Fabry disease (PMID: 34905550). ClinVar contains an entry for this variant (Variation ID: 180837). Advanced modeling of protein sequence and biophysical properties (such as structural, functional, and spatial information, amino acid conservation, physicochemical variation, residue mobility, and thermodynamic stability) performed at Invitae indicates that this missense variant is not expected to disrupt GLA protein function with a negative predictive value of 80%. In summary, the available evidence is currently insufficient to determine the role of this variant in disease. Therefore, it has been classified as a Variant of Uncertain Significance.

Revvity Omics, Revvity
Classification: Uncertain significance. Last evaluated: 2024-03-19. Review status: criteria provided, single submitter. Criteria: ACMG Guidelines, 2015. Collection method: clinical testing. Allele origin: germline.

GeneDx
Classification: Uncertain significance. Last evaluated: 2014-01-20. Review status: criteria provided, single submitter. Criteria: GeneDx Variant Classification (06012015). Collection method: clinical testing. Allele origin: germline. Affected: yes.
Comment: The R38G variant has not been published as a mutation, nor has it been reported as a benign polymorphism. It was not observed in approximately 6,500 individuals of European and African American ancestry in the NHLBI Exome Sequencing Project, indicating it is not a common benign variant in these populations. The R38G variant is a non-conservative amino acid substitution, which is likely to impact secondary protein structure as these residues differ in polarity, charge, size and/or other properties. In silico analysis predicts this variant is probably damaging to the protein structure/function. Missense mutations in nearby residues (L36S, L36F, A37T, A37V, P40S, P40A, P40H, P40L, T41I) have been reported in association with Fabry disease, supporting the functional importance of this region of the protein. However, this substitution occurs at a position that is not conserved across species. Therefore, based on the currently available information, it is unclear whether this variant is a pathogenic mutation or a rare benign variant. The variant is found in NEUROPATHY panel(s).

Literature cited by the submitters: PubMed 34441839 (cited by Genomenon, Inc); PubMed 34905550 (cited by Genomenon, Inc and Labcorp Genetics (formerly Invitae), Labcorp); PubMed 38047356 (cited by Genomenon, Inc).